The following is an entry in ClinVar:

NM_004380.3(CREBBP):c.796A>G (p.Lys266Glu)

Gene: CREBBP (CREB binding lysine acetyltransferase; minus strand). Cytogenetic location: 16p13.3.
Variant type: single nucleotide variant.
Coding change: c.796A>G on transcript NM_004380.3 (MANE Select); coding-DNA position 796, A replaced by G.
Protein change: p.Lys266Glu; replaces lysine 266 with glutamic acid.
Molecular consequence: missense variant.
Genome position (GRCh38, 1-based): chr16:3,850,299, T>C on the plus strand (A>G on the coding strand, the complement: CREBBP is on the minus strand). VCF-style: chr16-3850299-T-C. GRCh37 (hg19) VCF-style: chr16-3900300-T-C.
Other names: c.796A>G, p.Lys266Glu (NM_001079846.1); c.796A>G (NM_004380.2); short protein forms K266E.
Identifiers: ClinVar variation 2763500 (VCV002763500.4), dbSNP rs2054801647, ClinGen allele CA394559151.

ClinVar aggregate classification (germline): Uncertain significance. Review status: criteria provided, multiple submitters, no conflicts (2 of 4 stars). 2 submissions from 2 submitters: Uncertain significance (2). Last evaluated 2026-05-11.

Conditions:
CREBBP-related disorder. Also called: CREBBP-related disorders; CREBBP-related condition.
Rubinstein-Taybi syndrome (RSTS). Identifiers: Orphanet 783, MedGen C0035934, MONDO:0019188.

Allele frequency attached by ClinVar (database versions not stated): gnomAD exomes below 0.00001; gnomAD 0.00001.
gnomAD v4.1: 4 of 1,614,120 alleles (0.00025%); highest among the groups gnomAD compares: Admixed American, 0.0017%; no homozygotes.

Submissions (2):

PreventionGenetics, part of Exact Sciences
Classification: Uncertain significance for CREBBP-related condition. Last evaluated: 2026-05-11. Review status: criteria provided, single submitter. Criteria: ACMG Guidelines, 2015. Collection method: clinical testing. Allele origin: germline.
Comment: The CREBBP c.796A>G variant is predicted to result in the amino acid substitution p.Lys266Glu. To our knowledge, this variant has not been reported in the literature or in a large population database (gnomAD), indicating this variant is rare. At this time, the clinical significance of this variant is uncertain due to the absence of conclusive functional and genetic evidence.

Labcorp Genetics (formerly Invitae), Labcorp
Classification: Uncertain significance for Rubinstein-Taybi syndrome. Last evaluated: 2025-08-15. Review status: criteria provided, single submitter. Criteria: Invitae Variant Classification Sherloc (09022015). Collection method: clinical testing. Allele origin: germline.
Comment: This sequence change replaces lysine, which is basic and polar, with glutamic acid, which is acidic and polar, at codon 266 of the CREBBP protein (p.Lys266Glu). This variant is not present in population databases (gnomAD no frequency). This variant has not been reported in the literature in individuals affected with CREBBP-related conditions. ClinVar contains an entry for this variant (Variation ID: 2763500). Invitae Evidence Modeling of protein sequence and biophysical properties (such as structural, functional, and spatial information, amino acid conservation, physicochemical variation, residue mobility, and thermodynamic stability) indicates that this missense variant is not expected to disrupt CREBBP protein function with a negative predictive value of 95%. In summary, the available evidence is currently insufficient to determine the role of this variant in disease. Therefore, it has been classified as a Variant of Uncertain Significance.